The following is an entry in ClinVar:

ClinVar aggregate classification (germline): Likely pathogenic (1 of 4 stars; one submission).

Conditions:
Neuronal ceroid lipofuscinosis. Also called: Neuronal Ceroid Lipofuscinoses. Identifiers: Orphanet 216, Orphanet 79263, MedGen C0027877, MONDO:0016295. Disease mechanism: loss of function.

Submission:

Labcorp Genetics (formerly Invitae), Labcorp
Classification: Likely pathogenic for Neuronal ceroid lipofuscinosis. Last evaluated: 2024-05-23. Review status: criteria provided, single submitter. Criteria: Invitae Variant Classification Sherloc (09022015). Collection method: clinical testing. Allele origin: germline.
Comment: This sequence change affects an acceptor splice site in intron 6 of the CTSD gene. It is expected to disrupt RNA splicing. Variants that disrupt the donor or acceptor splice site typically lead to a loss of protein function (PMID: 16199547), and loss-of-function variants in CTSD are known to be pathogenic (PMID: 16670177, 26059544). This variant is not present in population databases (gnomAD no frequency). This variant has not been reported in the literature in individuals affected with CTSD-related conditions. Algorithms developed to predict the effect of sequence changes on RNA splicing suggest that this variant may disrupt the consensus splice site. In summary, the currently available evidence indicates that the variant is pathogenic, but additional data are needed to prove that conclusively. Therefore, this variant has been classified as Likely Pathogenic.

Literature cited by the submitters: PubMed 16199547; PubMed 16670177; PubMed 26059544.

NM_001909.5(CTSD):c.828-2A>C

Gene: CTSD (cathepsin D; minus strand). Cytogenetic location: 11p15.5.
Variant type: single nucleotide variant.
Coding change: c.828-2A>C on transcript NM_001909.5 (MANE Select); the canonical splice acceptor site of the intron before coding-DNA position 828, A replaced by C.
Molecular consequence: splice acceptor variant.
Genome position (GRCh38, 1-based): chr11:1,754,140, T>G on the plus strand (A>C on the coding strand, the complement: CTSD is on the minus strand). VCF-style: chr11-1754140-T-G. GRCh37 (hg19) VCF-style: chr11-1775370-T-G.
Identifiers: ClinVar variation 2755676 (VCV002755676.3), dbSNP rs2493817237, ClinGen allele CA379094229.